The following is an entry in ClinVar:

NM_001556.3(IKBKB):c.1606C>T (p.Arg536Trp)

Gene: IKBKB (inhibitor of nuclear factor kappa B kinase subunit beta; plus strand). Cytogenetic location: 8p11.21.
Variant type: single nucleotide variant.
Coding change: c.1606C>T on transcript NM_001556.3 (MANE Select); coding-DNA position 1606, C replaced by T.
Protein change: p.Arg536Trp; replaces arginine 536 with tryptophan.
Molecular consequence: missense variant. On other transcripts: non-coding transcript variant (3).
Genome position (GRCh38, 1-based): chr8:42,320,762, C>T. VCF-style: chr8-42320762-C-T. GRCh37 (hg19) VCF-style: chr8-42178280-C-T.
Other names: c.1414C>T, p.Arg472Trp (NM_001190720.3); c.1429C>T, p.Arg477Trp (NM_001242778.2); short protein forms R536W, R477W, R472W.
Identifiers: ClinVar variation 541648 (VCV000541648.14), dbSNP rs140485496, ClinGen allele CA4732060.

ClinVar aggregate classification (germline): Benign/Likely benign. Review status: criteria provided, multiple submitters, no conflicts (2 of 4 stars). 3 submissions from 3 submitters: Benign (1); Likely benign (2). Last evaluated 2026-04-01.

Conditions:
IKBKB-related disorder. Also called: IKBKB-related condition.
Severe combined immunodeficiency due to IKK2 deficiency. Also called: Immunodeficiency 15; IMMUNODEFICIENCY 15B. Identifiers: Orphanet 397787, MedGen C4747743, MONDO:0014267, OMIM 615592.

Allele frequency attached by ClinVar (database versions not stated): TOPMed 0.00012; ESP Exome Variant Server 0.00015; 1000 Genomes Project 30x 0.00062; 1000 Genomes Project 0.00080; gnomAD 0.00373.
gnomAD v4.1: 1,568 of 1,612,576 alleles (0.097%); highest among the groups gnomAD compares: East Asian, 0.016%; 27 homozygotes.

Submissions (3):

CeGaT Center for Human Genetics Tuebingen
Classification: Likely benign. Last evaluated: 2026-04-01. Review status: criteria provided, single submitter. Criteria: CeGaT Center For Human Genetics Tuebingen Variant Classification Criteria Version 2. Collection method: clinical testing. Allele origin: germline. Affected: yes. Observed: 1 variant allele.
Comment: IKBKB: BP4, BS2

Labcorp Genetics (formerly Invitae), Labcorp
Classification: Benign for Severe combined immunodeficiency due to IKK2 deficiency. Last evaluated: 2026-01-20. Review status: criteria provided, single submitter. Criteria: Invitae Variant Classification Sherloc (09022015). Collection method: clinical testing. Allele origin: germline.

PreventionGenetics, part of Exact Sciences
Classification: Likely benign for IKBKB-related condition. Last evaluated: 2025-01-28. Review status: criteria provided, single submitter. Criteria: ACMG Guidelines, 2015. Collection method: clinical testing. Allele origin: germline.
Comment: This variant is classified as likely benign based on ACMG/AMP sequence variant interpretation guidelines (Richards et al. 2015 PMID: 25741868, with internal and published modifications).